The following is an entry in ClinVar:

ClinVar aggregate classification (germline): Likely benign. Review status: criteria provided, multiple submitters, no conflicts (2 of 4 stars). 3 submissions from 3 submitters: Likely benign (3). Last evaluated 2020-01-23.

Conditions:
Posterior column ataxia-retinitis pigmentosa syndrome (RETSNS). Also called: RETINOPATHY-SENSORY NEUROPATHY SYNDROME. Identifiers: Orphanet 88628, MedGen C1836916, MONDO:0012177, OMIM 609033.

Allele frequency attached by ClinVar (database versions not stated): gnomAD 0.00959 and 0.01000; 1000 Genomes Project 30x 0.00453; 1000 Genomes Project 0.00419; TOPMed 0.00906; gnomAD exomes 0.01058.
gnomAD v4.1: 6,557 of 631,496 alleles (1%); highest among the groups gnomAD compares: Non-Finnish European, 1.5%; 52 homozygotes.

Submissions (3):

GeneDx
Classification: Likely benign. Last evaluated: 2020-01-23. Review status: criteria provided, single submitter. Criteria: GeneDx Variant Classification Process June 2021. Collection method: clinical testing. Allele origin: germline. Affected: yes.

Illumina Laboratory Services, Illumina
Classification: Likely benign for Posterior column ataxia-retinitis pigmentosa syndrome. Last evaluated: 2018-01-13. Review status: criteria provided, single submitter. Criteria: ICSL Variant Classification Criteria 13 December 2019. Collection method: clinical testing. Allele origin: germline.
Comment: This variant was observed in the ICSL laboratory as part of a predisposition screen in an ostensibly healthy population. It had not been previously curated by ICSL or reported in the Human Gene Mutation Database (HGMD: prior to June 1st, 2018), and was therefore a candidate for classification through an automated scoring system. Utilizing variant allele frequency, disease prevalence and penetrance estimates, and inheritance mode, an automated score was calculated to assess if this variant is too frequent to cause the disease. Based on the score and internal cut-off values, a variant classified as likely benign is not then subjected to further curation. The score for this variant resulted in a classification of likely benign for this disease.

Breakthrough Genomics
Classification: Likely benign. Review status: criteria provided, single submitter. Criteria: ACMG Guidelines, 2015. Collection method: not provided. Allele origin: germline. Inheritance: Autosomal recessive inheritance. Affected: yes.

NM_017791.3(FLVCR2):c.*187T>C

Gene: FLVCR2 (FLVCR choline and putative heme transporter 2; plus strand). Cytogenetic location: 14q24.3.
Variant type: single nucleotide variant.
Coding change: c.*187T>C on transcript NM_017791.3 (MANE Select); 187 bases downstream of the stop codon, T replaced by C.
Molecular consequence: 3 prime UTR variant.
Genome position (GRCh38, 1-based): chr14:75,646,659, T>C. VCF-style: chr14-75646659-T-C. GRCh37 (hg19) VCF-style: chr14-76113002-T-C.
Other names: c.*187T>C (NM_001195283.2).
Identifiers: ClinVar variation 314423 (VCV000314423.8), dbSNP rs75002047, ClinGen allele CA10646190.